The following is an entry in ClinVar:

NM_000334.4(SCN4A):c.5124C>T (p.Ala1708=)

Genes: GH-LCR (growth hormone locus control region; plus strand), SCN4A (sodium voltage-gated channel alpha subunit 4; minus strand). Cytogenetic location: 17q23.3.
Variant type: single nucleotide variant.
Coding change: c.5124C>T on transcript NM_000334.4 (MANE Select); coding-DNA position 5124, C replaced by T.
Protein change: p.Ala1708=; no amino-acid change (alanine 1708 retained).
Molecular consequence: synonymous variant.
Genome position (GRCh38, 1-based): chr17:63,941,158, G>A on the plus strand (C>T on the coding strand, the complement: SCN4A is on the minus strand). VCF-style: chr17-63941158-G-A. GRCh37 (hg19) VCF-style: chr17-62018518-G-A.
Identifiers: ClinVar variation 509406 (VCV000509406.10), dbSNP rs1555600600, ClinGen allele CA501348353.

ClinVar aggregate classification (germline): Likely benign. Review status: criteria provided, multiple submitters, no conflicts (2 of 4 stars). 2 submissions from 2 submitters: Likely benign (2). Last evaluated 2020-10-29.

Conditions:
Hyperkalemic periodic paralysis. Also called: Familial hyperkalemic periodic paralysis; Gamstorp disease. Identifiers: Orphanet 682, MedGen C0238357, MONDO:0008224, OMIM 170500, HP:0007215.

Submissions (2):

Labcorp Genetics (formerly Invitae), Labcorp
Classification: Likely benign for Hyperkalemic periodic paralysis. Last evaluated: 2020-10-29. Review status: criteria provided, single submitter. Criteria: Invitae Variant Classification Sherloc (09022015). Collection method: clinical testing. Allele origin: germline.

GeneDx
Classification: Likely benign. Last evaluated: 2017-05-11. Review status: criteria provided, single submitter. Criteria: GeneDx Variant Classification (06012015). Collection method: clinical testing. Allele origin: germline. Affected: yes.
Comment: This variant is considered likely benign or benign based on one or more of the following criteria: it is a conservative change, it occurs at a poorly conserved position in the protein, it is predicted to be benign by multiple in silico algorithms, and/or has population frequency not consistent with disease.